The following is an entry in ClinVar:

NM_152564.5(VPS13B):c.4866G>A (p.Glu1622=)

Gene: VPS13B (vacuolar protein sorting 13 homolog B; plus strand). Cytogenetic location: 8q22.2.
Variant type: single nucleotide variant.
Coding change: c.4866G>A on transcript NM_152564.5 (MANE Select); coding-DNA position 4866, G replaced by A.
Protein change: p.Glu1622=; no amino-acid change (glutamic acid 1622 retained).
Molecular consequence: synonymous variant.
Genome position (GRCh38, 1-based): chr8:99,556,570, G>A. VCF-style: chr8-99556570-G-A. GRCh37 (hg19) VCF-style: chr8-100568798-G-A.
Other names: c.4941G>A, p.Glu1647= (NM_017890.5); c.4866G>A (NM_152564.4).
Identifiers: ClinVar variation 1114776 (VCV001114776.10), dbSNP rs779914034, ClinGen allele CA4823670.

ClinVar aggregate classification (germline): Likely benign. Review status: criteria provided, single submitter (1 of 4 stars). 2 submissions from 2 submitters: Likely benign (1). 1 of the submissions does not count toward it. Last evaluated 2026-01-11.

Conditions:
VPS13B-related disorder. Also called: VPS13B-related condition.
Cohen syndrome (COH1). Also called: Cutis verticis gyrata, retinitis pigmentosa, and sensorineural deafness; PEPPER SYNDROME. Identifiers: Orphanet 193, MedGen C0265223, MONDO:0008999, OMIM 216550.

Allele frequency attached by ClinVar (database versions not stated): gnomAD exomes below 0.00001; TOPMed below 0.00001; ExAC 0.00001.
gnomAD v4.1: 2 of 1,613,236 alleles (0.00012%); highest among the groups gnomAD compares: Admixed American, 0.0033%; no homozygotes.

Submissions (2):

Labcorp Genetics (formerly Invitae), Labcorp
Classification: Likely benign for Cohen syndrome. Last evaluated: 2026-01-11. Review status: criteria provided, single submitter. Criteria: Invitae Variant Classification Sherloc (09022015). Collection method: clinical testing. Allele origin: germline.

PreventionGenetics, part of Exact Sciences
Classification: Likely benign for VPS13B-related condition. Last evaluated: 2022-03-25. Review status: no assertion criteria provided. Collection method: clinical testing. Allele origin: germline. Not counted in ClinVar's aggregate classification.
Comment: This variant is classified as likely benign based on ACMG/AMP sequence variant interpretation guidelines (Richards et al. 2015 PMID: 25741868, with internal and published modifications).